The following is an entry in ClinVar:

ClinVar aggregate classification (germline): Conflicting classifications of pathogenicity. Review status: criteria provided, conflicting classifications (1 of 4 stars). 3 submissions from 3 submitters: Uncertain significance (1); Likely benign (2). Last evaluated 2023-11-14.

Conditions:
Hereditary cancer-predisposing syndrome. Also called: Neoplastic Syndromes, Hereditary; Tumor predisposition; Hereditary Cancer Syndrome; Hereditary neoplastic syndrome. Identifiers: Orphanet 140162, MedGen C0027672, MeSH D009386, MONDO:0015356.
Hereditary breast ovarian cancer syndrome. Also called: Hereditary breast and ovarian cancer; Hereditary breast and ovarian cancer syndrome (HBOC); Hereditary breast and ovarian cancer syndrome; Breast and ovarian cancer; Hereditary breast and/or ovarian cancer syndrome; BRCA1- and BRCA2-Associated Hereditary Breast and Ovarian Cancer. Identifiers: Orphanet 145, MedGen C0677776, MeSH D061325, MONDO:0003582. Disease mechanism: loss of function.

Submissions (3):

German Consortium for Hereditary Breast and Ovarian Cancer, University Hospital Cologne
Classification: Likely benign for Hereditary breast ovarian cancer syndrome. Last evaluated: 2023-11-14. Review status: criteria provided, single submitter. Criteria: ClinGen BRCA2 V1.0.0. Collection method: curation. Allele origin: germline.
Comment: Coldspot variant. According to the ClinGen ENIGMA BRCA2 v1.0.0 criteria we chose this criterium: BP1 (strong benign): BP1_strong: outside a (potentially) clinically important functional domain AND nosplicing predicted (SpliceAI ≤0.1)

University of Washington Department of Laboratory Medicine, University of Washington
Classification: Likely benign for Hereditary cancer-predisposing syndrome. Last evaluated: 2023-03-23. Review status: criteria provided, single submitter. Criteria: Dines et al. (Genet Med. 2020). Collection method: curation. Allele origin: germline.
Comment: Missense variant in a coldspot region where missense variants are very unlikely to be pathogenic (PMID:31911673).

BRCA2 exon 11 coldspot. Reclassification based on statistical prior probability.

Ambry Genetics
Classification: Uncertain significance for Hereditary cancer-predisposing syndrome. Last evaluated: 2022-07-11. Review status: criteria provided, single submitter. Criteria: Ambry Variant Classification Scheme 2023. Collection method: clinical testing. Allele origin: germline.
Comment: The p.I729R variant (also known as c.2186T>G), located in coding exon 10 of the BRCA2 gene, results from a T to G substitution at nucleotide position 2186. The isoleucine at codon 729 is replaced by arginine, an amino acid with similar properties. This amino acid position is conserved. In addition, this alteration is predicted to be tolerated by in silico analysis. Since supporting evidence is limited at this time, the clinical significance of this alteration remains unclear.

NM_000059.4(BRCA2):c.2186T>G (p.Ile729Arg)

Gene: BRCA2 (BRCA2 DNA repair associated; plus strand). Cytogenetic location: 13q13.1.
Variant type: single nucleotide variant.
Coding change: c.2186T>G on transcript NM_000059.4 (MANE Select); coding-DNA position 2186, T replaced by G.
Protein change: p.Ile729Arg; replaces isoleucine 729 with arginine.
Molecular consequence: missense variant.
Genome position (GRCh38, 1-based): chr13:32,336,541, T>G. VCF-style: chr13-32336541-T-G. GRCh37 (hg19) VCF-style: chr13-32910678-T-G.
Other names: c.2186T>G, p.Ile729Arg (NM_001406719.1, NM_001406720.1); short protein forms I729R.
Identifiers: ClinVar variation 1787340 (VCV001787340.5), dbSNP rs431825296, ClinGen allele CA387770406.